The following is an entry in ClinVar:

ClinVar aggregate classification (germline): Benign/Likely benign. Review status: criteria provided, multiple submitters, no conflicts (2 of 4 stars). 2 submissions from 2 submitters: Benign (1); Likely benign (1). Last evaluated 2025-11-25.

Allele frequency attached by ClinVar (database versions not stated): ESP Exome Variant Server 0.00052; 1000 Genomes Project 30x 0.00078; 1000 Genomes Project 0.00080.
gnomAD v4.1: 827 of 765,348 alleles (0.11%); highest among the groups gnomAD compares: Middle Eastern, 0.23%; 3 homozygotes.

Submissions (2):

Labcorp Genetics (formerly Invitae), Labcorp
Classification: Benign. Last evaluated: 2025-11-25. Review status: criteria provided, single submitter. Criteria: Invitae Variant Classification Sherloc (09022015). Collection method: clinical testing. Allele origin: germline.

CeGaT Center for Human Genetics Tuebingen
Classification: Likely benign. Last evaluated: 2025-10-01. Review status: criteria provided, single submitter. Criteria: CeGaT Center For Human Genetics Tuebingen Variant Classification Criteria Version 2. Collection method: clinical testing. Allele origin: germline. Affected: yes. Observed: 4 variant alleles.
Comment: SNORD118: BS2

NR_033294.2(SNORD118):n.44C>T

Genes: SNORD118 (small nucleolar RNA, C/D box 118; minus strand), TMEM107 (transmembrane protein 107; minus strand). Cytogenetic location: 17p13.1.
Variant type: single nucleotide variant.
Molecular consequence: non-coding transcript variant (on NR_033294.2). On other transcripts: 3 prime UTR variant (5).
Genome position: GRCh38 VCF-style: chr17-8173545-G-A. GRCh37 (hg19) VCF-style: chr17-8076863-G-A.
Other names: c.*658C>T (NM_001351278.2, NM_001351279.2, NM_001351280.2 and 2 more transcripts).
Identifiers: ClinVar variation 1580042 (VCV001580042.32), dbSNP rs145699731, ClinGen allele CA8370745.